The following is an entry in ClinVar:

NM_002334.4(LRP4):c.2515C>T (p.Arg839Trp)

Gene: LRP4 (LDL receptor related protein 4; minus strand). Cytogenetic location: 11p11.2.
Variant type: single nucleotide variant.
Coding change: c.2515C>T on transcript NM_002334.4 (MANE Select); coding-DNA position 2515, C replaced by T.
Protein change: p.Arg839Trp; replaces arginine 839 with tryptophan.
Molecular consequence: missense variant.
Genome position (GRCh38, 1-based): chr11:46,883,968, G>A on the plus strand (C>T on the coding strand, the complement: LRP4 is on the minus strand). VCF-style: chr11-46883968-G-A. GRCh37 (hg19) VCF-style: chr11-46905519-G-A.
Other names: short protein forms R839W.
Identifiers: ClinVar variation 1310627 (VCV001310627.33), dbSNP rs148910063, ClinGen allele CA5969870.

ClinVar aggregate classification (germline): Uncertain significance. Review status: criteria provided, multiple submitters, no conflicts (2 of 4 stars). 3 submissions from 3 submitters: Uncertain significance (3). Last evaluated 2025-01-27.

Conditions:
Inborn genetic diseases. Identifiers: MedGen C0950123, MeSH D030342.

Allele frequency attached by ClinVar (database versions not stated): ExAC 0.00001; gnomAD 0.00003; ESP Exome Variant Server 0.00008; gnomAD exomes 0.00003; TOPMed 0.00005.
gnomAD v4.1: 52 of 1,612,490 alleles (0.0032%); highest among the groups gnomAD compares: African/African-American, 0.0094%; no homozygotes.

Submissions (3):

Ambry Genetics
Classification: Uncertain significance for Inborn genetic diseases. Last evaluated: 2025-01-27. Review status: criteria provided, single submitter. Criteria: Ambry Variant Classification Scheme 2023. Collection method: clinical testing. Allele origin: germline.

GeneDx
Classification: Uncertain significance. Last evaluated: 2024-04-29. Review status: criteria provided, single submitter. Criteria: GeneDx Variant Classification Process June 2021. Collection method: clinical testing. Allele origin: germline. Affected: yes.
Comment: In silico analysis supports that this missense variant has a deleterious effect on protein structure/function; Has not been previously published as pathogenic or benign to our knowledge

CeGaT Center for Human Genetics Tuebingen
Classification: Uncertain significance. Last evaluated: 2022-09-01. Review status: criteria provided, single submitter. Criteria: CeGaT Center For Human Genetics Tuebingen Variant Classification Criteria Version 2. Collection method: clinical testing. Allele origin: germline. Affected: yes. Observed: 1 variant allele.
Comment: LRP4: PM2, PP3, PS2:Supporting